The following is an entry in ClinVar:

ClinVar aggregate classification (germline): Uncertain significance (1 of 4 stars; one submission).

Conditions:
Inborn genetic diseases. Identifiers: MedGen C0950123, MeSH D030342.

Submission:

Ambry Genetics
Classification: Uncertain significance for Inborn genetic diseases. Last evaluated: 2025-12-21. Review status: criteria provided, single submitter. Criteria: Ambry Variant Classification Scheme 2023. Collection method: clinical testing. Allele origin: germline.
Comment: The p.Q353R variant (also known as c.1058A>G), located in coding exon 4 of the GATA2 gene, results from an A to G substitution at nucleotide position 1058. The glutamine at codon 353 is replaced by arginine, an amino acid with highly similar properties. This amino acid position is conserved. In addition, this alteration is predicted to be deleterious by in silico analysis. Based on the available evidence, the clinical significance of this variant remains unclear.

NM_032638.5(GATA2):c.1058A>G (p.Gln353Arg)

Gene: GATA2 (GATA binding protein 2; minus strand). Cytogenetic location: 3q21.3.
Variant type: single nucleotide variant.
Coding change: c.1058A>G on transcript NM_032638.5 (MANE Select); coding-DNA position 1058, A replaced by G.
Protein change: p.Gln353Arg; replaces glutamine 353 with arginine.
Molecular consequence: missense variant. On other transcripts: splice acceptor variant (1).
Genome position (GRCh38, 1-based): chr3:128,481,904, T>C on the plus strand (A>G on the coding strand, the complement: GATA2 is on the minus strand). VCF-style: chr3-128481904-T-C. GRCh37 (hg19) VCF-style: chr3-128200747-T-C.
Other names: c.1058A>G, p.Gln353Arg (NM_001145661.2); c.1018-2A>G (NM_001145662.1); short protein forms Q353R.
Identifiers: ClinVar variation 4842561 (VCV004842561.1).